The following is an entry in ClinVar:

NM_000260.4(MYO7A):c.5749G>T (p.Glu1917Ter)

Gene: MYO7A (myosin VIIA; plus strand). Cytogenetic location: 11q13.5.
Variant type: single nucleotide variant.
Coding change: c.5749G>T on transcript NM_000260.4 (MANE Select); coding-DNA position 5749, G replaced by T.
Protein change: p.Glu1917Ter; replaces glutamic acid 1917 with a stop codon.
Molecular consequence: nonsense.
Genome position (GRCh38, 1-based): chr11:77,207,295, G>T. VCF-style: chr11-77207295-G-T. GRCh37 (hg19) VCF-style: chr11-76918340-G-T.
Other names: c.5635G>T, p.Glu1879Ter (NM_001127180.2); c.5602G>T, p.Glu1868Ter (NM_001369365.1); short protein forms E1868*, E1917*, E1879*.
Identifiers: ClinVar variation 866518 (VCV000866518.20), dbSNP rs780609120, ClinGen allele CA224854968.
Genomic context (GRCh38, chr11:77,207,295, plus strand): 5'-GACCAGGTCCCGGGAAAGGCCCTGCAGGAGCCCAGTGCTCACTGCCCCTCCCAGGCCTTC[G>T]AAGTGGAGTCCAGCACCAAGGCCAAGGACTTCTGCCAGAACATCGCCACCAGGCTGCTCC-3'

ClinVar aggregate classification (germline): Pathogenic/Likely pathogenic. Review status: criteria provided, multiple submitters, no conflicts (2 of 4 stars). 8 submissions from 8 submitters: Pathogenic (6); Likely pathogenic (1). 1 of the submissions does not count toward it. Last evaluated 2026-09-21.

Conditions:
MYO7A-related disorder. Also called: MYO7A-related disorders.
Autosomal recessive nonsyndromic hearing loss 2. Also called: DEAFNESS, AUTOSOMAL RECESSIVE 2; NEUROSENSORY NONSYNDROMIC RECESSIVE DEAFNESS 2. Identifiers: Orphanet 90636, MedGen C1838701, MONDO:0010807, OMIM 600060.
Usher syndrome type 1B (USH1B). Also called: Usher syndrome type IB. Identifiers: MedGen C1848638, MONDO:0700087.

gnomAD v4.1: 3 of 1,609,906 alleles (0.00019%); highest among the groups gnomAD compares: Non-Finnish European, 0.00025%; no homozygotes.

Submissions (8):

PreventionGenetics, part of Exact Sciences
Classification: Pathogenic for MYO7A-related condition. Last evaluated: 2026-09-21. Review status: criteria provided, single submitter. Criteria: ACMG Guidelines, 2015. Collection method: clinical testing. Allele origin: germline.
Comment: The MYO7A c.5749G>T variant is predicted to result in premature protein termination (p.Glu1917*). This variant has been reported in individuals with Usher syndrome (Jacobson et al 2009. PubMed ID: 19074810; Aparisi et al 2014. PubMed ID: 25404053). This variant is reported in 0.00091% of alleles in individuals of European (Non-Finnish) descent in gnomAD. Nonsense variants in MYO7A are expected to be pathogenic. This variant is interpreted as pathogenic.

Variantyx, Inc.
Classification: Pathogenic for Autosomal recessive nonsyndromic hearing loss 2. Last evaluated: 2025-05-05. Review status: criteria provided, single submitter. Criteria: Variantyx Assertion Criteria 2022. Collection method: clinical testing. Allele origin: germline. Inheritance: Autosomal recessive inheritance. Affected: no.
Comment: This is a nonsense variant in the MYO7A gene (OMIM: 276903). Pathogenic variants in this gene have been associated with autosomal recessive Usher syndrome type IB. This variant introduces a premature termination codon in exon 42 out of 49 and is expected to result in loss of function, which is a known disease mechanism for MYO7A in this disorder (PMID: 8900236, 25404053) (PVS1). This variant has been reported in the homozygous or compound heterozygous state in at least 2 affected individual (PMID: 19074810) (PM3). This variant has a 0.0003% maximum allele frequency in non-founder control populations (PM2). Based on the current evidence, this variant is classified as pathogenic for autosomal recessive Usher syndrome type IB.

Labcorp Genetics (formerly Invitae), Labcorp
Classification: Pathogenic. Last evaluated: 2025-04-30. Review status: criteria provided, single submitter. Criteria: Invitae Variant Classification Sherloc (09022015). Collection method: clinical testing. Allele origin: germline.
Comment: This sequence change creates a premature translational stop signal (p.Glu1917*) in the MYO7A gene. It is expected to result in an absent or disrupted protein product. Loss-of-function variants in MYO7A are known to be pathogenic (PMID: 8900236, 25404053). This variant is not present in population databases (gnomAD no frequency). This premature translational stop signal has been observed in individuals with Usher syndrome (PMID: 19074810, 25404053). ClinVar contains an entry for this variant (Variation ID: 866518). For these reasons, this variant has been classified as Pathogenic.

Blueprint Genetics
Classification: Pathogenic for MYO7A-related disorders. Last evaluated: 2024-09-24. Review status: criteria provided, single submitter. Criteria: ACMG Guidelines, 2015. Collection method: clinical testing. Allele origin: germline. Affected: yes. Observed: 5 variant alleles.

Institute of Medical Genetics and Applied Genomics, University Hospital Tübingen
Classification: Pathogenic. Last evaluated: 2020-10-23. Review status: criteria provided, single submitter. Criteria: ACMG Guidelines, 2015. Collection method: clinical testing. Allele origin: germline. Inheritance: Autosomal unknown. Affected: yes.

GeneDx
Classification: Pathogenic. Last evaluated: 2019-07-29. Review status: criteria provided, single submitter. Criteria: GeneDx Variant Classification Process June 2021. Collection method: clinical testing. Allele origin: germline. Affected: yes.
Comment: Nonsense variant predicted to result in protein truncation or nonsense mediated decay in a gene for which loss-of-function is a known mechanism of disease; Not observed in large population cohorts (Lek et al., 2016); This variant is associated with the following publications: (PMID: 28944237, 21569298, 25525159, 25404053, 30655789, 19074810)

Revvity Omics, Revvity
Classification: Likely pathogenic. Last evaluated: 2019-07-28. Review status: criteria provided, single submitter. Criteria: ACMG Guidelines, 2015. Collection method: clinical testing. Allele origin: germline.

Natera, Inc.
Classification: Pathogenic for Usher syndrome type 1B. Last evaluated: 2021-07-27. Review status: no assertion criteria provided. Collection method: clinical testing. Allele origin: germline. Not counted in ClinVar's aggregate classification.

Literature cited by the submitters: PubMed 8900236 (cited by Variantyx, Inc. and Labcorp Genetics (formerly Invitae), Labcorp); PubMed 25404053 (cited by Variantyx, Inc. and Labcorp Genetics (formerly Invitae), Labcorp); PubMed 19074810 (cited by Variantyx, Inc. and Labcorp Genetics (formerly Invitae), Labcorp).